The following is an entry in ClinVar:

NM_006267.5(RANBP2):c.3469G>C (p.Asp1157His)

Gene: RANBP2 (RAN binding protein 2; plus strand). Cytogenetic location: 2q13.
Variant type: single nucleotide variant.
Coding change: c.3469G>C on transcript NM_006267.5 (MANE Select); coding-DNA position 3469, G replaced by C.
Protein change: p.Asp1157His; replaces aspartic acid 1157 with histidine.
Molecular consequence: missense variant.
Genome position (GRCh38, 1-based): chr2:108,764,008, G>C. VCF-style: chr2-108764008-G-C. GRCh37 (hg19) VCF-style: chr2-109380464-G-C.
Other names: short protein forms D1157H.
Identifiers: ClinVar variation 659983 (VCV000659983.9), dbSNP rs1383623493, ClinGen allele CA348061931.

ClinVar aggregate classification (germline): Uncertain significance (1 of 4 stars; one submission).

Conditions:
Familial acute necrotizing encephalopathy (IIAE3). Also called: Susceptibility to Acute Necrotizing Encephalopathy 1; ENCEPHALOPATHY, ACUTE, INFECTION-INDUCED, SUSCEPTIBILITY TO, 3. Identifiers: Orphanet 88619, MedGen C2675556, MONDO:0011953, OMIM 608033.

Allele frequency attached by ClinVar (database versions not stated): gnomAD exomes below 0.00001; TOPMed 0.00001.
gnomAD v4.1: 2 of 1,613,932 alleles (0.00012%); highest among the groups gnomAD compares: African/African-American, 0.0013%; no homozygotes.

Submission:

Labcorp Genetics (formerly Invitae), Labcorp
Classification: Uncertain significance for Familial acute necrotizing encephalopathy. Last evaluated: 2018-12-09. Review status: criteria provided, single submitter. Criteria: Invitae Variant Classification Sherloc (09022015). Collection method: clinical testing. Allele origin: germline.
Comment: In summary, the available evidence is currently insufficient to determine the role of this variant in disease. Therefore, it has been classified as a Variant of Uncertain Significance. Algorithms developed to predict the effect of missense changes on protein structure and function (SIFT, PolyPhen-2, Align-GVGD) all suggest that this variant is likely to be disruptive, but these predictions have not been confirmed by published functional studies and their clinical significance is uncertain. This variant has not been reported in the literature in individuals with RANBP2-related conditions. This variant is not present in population databases (ExAC no frequency). This sequence change replaces aspartic acid with histidine at codon 1157 of the RANBP2 protein (p.Asp1157His). The aspartic acid residue is highly conserved and there is a moderate physicochemical difference between aspartic acid and histidine.